The following is an entry in ClinVar:

ClinVar aggregate classification (germline): Benign (0 of 4 stars; one submission).

Conditions:
ALPK2-related disorder. Also called: ALPK2-related condition.

Allele frequency attached by ClinVar (database versions not stated): 1000 Genomes Project 0.40435; 1000 Genomes Project 30x 0.40709; ExAC 0.46876; TOPMed 0.48382; gnomAD 0.49099; ESP Exome Variant Server 0.50531; gnomAD exomes 0.52492.
gnomAD v4.1: 837,707 of 1,608,432 alleles (52%); highest among the groups gnomAD compares: Non-Finnish European, 56%; 223,529 homozygotes.

Submission:

PreventionGenetics, part of Exact Sciences
Classification: Benign for ALPK2-related condition. Last evaluated: 2019-10-17. Review status: no assertion criteria provided. Collection method: clinical testing. Allele origin: germline.
Comment: This variant is classified as benign based on ACMG/AMP sequence variant interpretation guidelines (Richards et al. 2015 PMID: 25741868, with internal and published modifications).

NM_052947.4(ALPK2):c.2487A>C (p.Lys829Asn)

Gene: ALPK2 (alpha kinase 2; minus strand). Cytogenetic location: 18q21.31.
Variant type: single nucleotide variant.
Coding change: c.2487A>C on transcript NM_052947.4 (MANE Select); coding-DNA position 2487, A replaced by C.
Protein change: p.Lys829Asn; replaces lysine 829 with asparagine.
Molecular consequence: missense variant.
Genome position (GRCh38, 1-based): chr18:58,537,700, T>G on the plus strand (A>C on the coding strand, the complement: ALPK2 is on the minus strand). VCF-style: chr18-58537700-T-G. GRCh37 (hg19) VCF-style: chr18-56204932-T-G.
Other names: short protein forms K829N.
Identifiers: ClinVar variation 3060150 (VCV003060150.2), dbSNP rs3809973, ClinGen allele CA8977064.